The following is an entry in ClinVar:

ClinVar aggregate classification (germline): Likely benign. Review status: criteria provided, single submitter (1 of 4 stars). 2 submissions from 2 submitters: Likely benign (1). 1 of the submissions does not count toward it. Last evaluated 2025-04-14.

Conditions:
DIS3L2-related disorder. Also called: DIS3L2-related condition.
Perlman syndrome (PRLMNS). Identifiers: Orphanet 2849, MedGen C0796113, MONDO:0009965, OMIM 267000.

Allele frequency attached by ClinVar (database versions not stated): ExAC 0.00001; gnomAD exomes 0.00001.

Submissions (2):

Labcorp Genetics (formerly Invitae), Labcorp
Classification: Likely benign for Perlman syndrome. Last evaluated: 2025-04-14. Review status: criteria provided, single submitter. Criteria: Invitae Variant Classification Sherloc (09022015). Collection method: clinical testing. Allele origin: germline.

PreventionGenetics, part of Exact Sciences
Classification: Likely benign for DIS3L2-related condition. Last evaluated: 2019-07-16. Review status: no assertion criteria provided. Collection method: clinical testing. Allele origin: germline. Not counted in ClinVar's aggregate classification.
Comment: This variant is classified as likely benign based on ACMG/AMP sequence variant interpretation guidelines (Richards et al. 2015 PMID: 25741868, with internal and published modifications).

NM_152383.5(DIS3L2):c.2283G>T (p.Leu761=)

Gene: DIS3L2 (DIS3 like 3'-5' exoribonuclease 2; plus strand). Cytogenetic location: 2q37.1.
Variant type: single nucleotide variant.
Coding change: c.2283G>T on transcript NM_152383.5 (MANE Select); coding-DNA position 2283, G replaced by T.
Protein change: p.Leu761=; no amino-acid change (leucine 761 retained).
Molecular consequence: synonymous variant. On other transcripts: non-coding transcript variant (2), intron variant (1).
Genome position (GRCh38, 1-based): chr2:232,334,493, G>T. VCF-style: chr2-232334493-G-T. GRCh37 (hg19) VCF-style: chr2-233199203-G-T.
Other names: c.1582-8852G>T (NM_001257281.2).
Identifiers: ClinVar variation 765233 (VCV000765233.12), dbSNP rs771083881, ClinGen allele CA2164473.